The following is an entry in ClinVar:

NM_016169.4(SUFU):c.454+4_454+5del

Gene: SUFU (SUFU negative regulator of hedgehog signaling; plus strand). Cytogenetic location: 10q24.32.
Variant type: Deletion.
Coding change: c.454+4_454+5del on transcript NM_016169.4 (MANE Select); bases 4 to 5 of the intron after coding-DNA position 454, 2 bases deleted (GG; older notation c.454+4_454+5delGG).
Molecular consequence: intron variant.
Genome position (GRCh38, 1-based): chr10:102,550,110-102,550,111, GG deleted. VCF-style (leftmost placement, unchanged base first): chr10-102550109-AGG-A. GRCh37 (hg19) VCF-style: chr10-104309866-AGG-A.
Other names: c.454+4_454+5delGG (NM_016169.3); c.454+4_454+5del (NM_001178133.2).
Identifiers: ClinVar variation 1936810 (VCV001936810.6), dbSNP rs2544970027, ClinGen allele CA2574653284.

ClinVar aggregate classification (germline): Uncertain significance. Review status: criteria provided, multiple submitters, no conflicts (2 of 4 stars). 2 submissions from 2 submitters: Uncertain significance (2). Last evaluated 2025-10-14.

Conditions:
Gorlin syndrome. Also called: Nevoid Basal Cell Carcinoma Syndrome; Basal cell nevus syndrome. Identifiers: Orphanet 377, MedGen C0004779, MONDO:0007187.
Medulloblastoma (MDB). Also called: Medulloblastoma, somatic; MEDULLOBLASTOMA PREDISPOSITION SYNDROME. Identifiers: Orphanet 616, MedGen C0025149, MeSH D008527, MONDO:0007959, OMIM 155255, HP:0002885.
Hereditary cancer-predisposing syndrome. Also called: Neoplastic Syndromes, Hereditary; Hereditary neoplastic syndrome; Tumor predisposition; Hereditary Cancer Syndrome. Identifiers: Orphanet 140162, MedGen C0027672, MeSH D009386, MONDO:0015356.

Submissions (2):

Labcorp Genetics (formerly Invitae), Labcorp
Classification: Uncertain significance for Gorlin syndrome; Medulloblastoma. Last evaluated: 2025-10-14. Review status: criteria provided, single submitter. Criteria: Invitae Variant Classification Sherloc (09022015). Collection method: clinical testing. Allele origin: germline.
Comment: This sequence change falls in intron 3 of the SUFU gene. It does not directly change the encoded amino acid sequence of the SUFU protein. It affects a nucleotide within the consensus splice site. This variant is not present in population databases (gnomAD no frequency). This variant has not been reported in the literature in individuals affected with SUFU-related conditions. ClinVar contains an entry for this variant (Variation ID: 1936810). Variants that disrupt the consensus splice site are a relatively common cause of aberrant splicing (PMID: 17576681, 9536098). Algorithms developed to predict the effect of sequence changes on RNA splicing suggest that this variant is not likely to affect RNA splicing. In summary, the available evidence is currently insufficient to determine the role of this variant in disease. Therefore, it has been classified as a Variant of Uncertain Significance.

Ambry Genetics
Classification: Uncertain significance for Hereditary cancer-predisposing syndrome. Last evaluated: 2025-03-28. Review status: criteria provided, single submitter. Criteria: Ambry Variant Classification Scheme 2023. Collection method: clinical testing. Allele origin: germline.
Comment: The c.454+4_454+5delGG intronic variant, located in intron 3 of the SUFU gene, results from a deletion of two nucleotides within intron 3 of the SUFU gene. These nucleotide positions are not well conserved in available vertebrate species. In silico splice site analysis predicts that this alteration will not have any significant effect on splicing. Based on the available evidence, the clinical significance of this variant remains unclear.

Literature cited by the submitters: PubMed 17576681 (cited by Labcorp Genetics (formerly Invitae), Labcorp); PubMed 9536098 (cited by Labcorp Genetics (formerly Invitae), Labcorp).